The following is an entry in ClinVar:

NM_178014.4(TUBB):c.322G>A (p.Glu108Lys)

Gene: TUBB (tubulin beta class I; plus strand). Cytogenetic location: 6p21.33.
Variant type: single nucleotide variant.
Coding change: c.322G>A on transcript NM_178014.4 (MANE Select); coding-DNA position 322, G replaced by A.
Protein change: p.Glu108Lys; replaces glutamic acid 108 with lysine.
Molecular consequence: missense variant.
Genome position (GRCh38, 1-based): chr6:30,723,384, G>A. VCF-style: chr6-30723384-G-A. GRCh37 (hg19) VCF-style: chr6-30691161-G-A.
Other names: c.382G>A, p.Glu128Lys (NM_001293212.2); c.322G>A, p.Glu108Lys (NM_001293213.2); c.190G>A, p.Glu64Lys (NM_001293214.2); c.106G>A, p.Glu36Lys (NM_001293215.2, NM_001293216.2); short protein forms E108K, E64K, E128K, E36K.
Identifiers: ClinVar variation 373428 (VCV000373428.1), dbSNP rs1057518412, ClinGen allele CA16042542.

ClinVar aggregate classification (germline): Likely pathogenic (1 of 4 stars; one submission).

Submission:

GeneDx
Classification: Likely pathogenic. Last evaluated: 2016-11-30. Review status: criteria provided, single submitter. Criteria: GeneDx Variant Classification (06012015). Collection method: clinical testing. Allele origin: germline. Affected: yes.
Comment: The E108K variant in the TUBB gene has not been reported previously as a pathogenic variant nor as a benign variant, to our knowledge. The E108K variant was not observed in approximately 6,500 individuals of European and African American ancestry in the NHLBI Exome Sequencing Project, indicating it is not a common benign variant in these populations. The E108K variant is a non-conservative amino acid substitution, which is likely to impact secondary protein structure as these residues differ in polarity, charge, size and/or other properties. This substitution occurs at a position that is conserved across species. In silico analysis predicts this variant is probably damaging to the protein structure/function. We interpret E108K as a likely pathogenic variant.